The following is an entry in ClinVar:

NM_020778.5(ALPK3):c.580C>T (p.Arg194Cys)

Gene: ALPK3 (alpha kinase 3; plus strand). Cytogenetic location: 15q25.3.
Variant type: single nucleotide variant.
Coding change: c.580C>T on transcript NM_020778.5 (MANE Select); coding-DNA position 580, C replaced by T.
Protein change: p.Arg194Cys; replaces arginine 194 with cysteine.
Molecular consequence: missense variant.
Genome position (GRCh38, 1-based): chr15:84,839,859, C>T. VCF-style: chr15-84839859-C-T. GRCh37 (hg19) VCF-style: chr15-85383090-C-T.
Other names: c.1186C>T (NM_020778.4); short protein forms R194C.
Identifiers: ClinVar variation 3010425 (VCV003010425.4), dbSNP rs964132771, ClinGen allele CA273665072.

ClinVar aggregate classification (germline): Uncertain significance. Review status: criteria provided, multiple submitters, no conflicts (2 of 4 stars). 2 submissions from 2 submitters: Uncertain significance (2). Last evaluated 2026-07-13.

Conditions:
Cardiovascular phenotype. Identifiers: MedGen CN230736.

Allele frequency attached by ClinVar (database versions not stated): gnomAD exomes below 0.00001; TOPMed 0.00007.
gnomAD v4.1: 6 of 1,613,964 alleles (0.00037%); highest among the groups gnomAD compares: Non-Finnish European, 0.000085%; no homozygotes.

Submissions (2):

Ambry Genetics
Classification: Uncertain significance for Cardiovascular phenotype. Last evaluated: 2026-07-13. Review status: criteria provided, single submitter. Criteria: Ambry Variant Classification Scheme 2023. Collection method: clinical testing. Allele origin: germline.

Labcorp Genetics (formerly Invitae), Labcorp
Classification: Uncertain significance. Last evaluated: 2025-11-11. Review status: criteria provided, single submitter. Criteria: Invitae Variant Classification Sherloc (09022015). Collection method: clinical testing. Allele origin: germline.
Comment: This sequence change replaces arginine, which is basic and polar, with cysteine, which is neutral and slightly polar, at codon 396 of the ALPK3 protein (p.Arg396Cys). This variant is present in population databases (no rsID available, gnomAD 0.0009%). This variant has not been reported in the literature in individuals affected with ALPK3-related conditions. ClinVar contains an entry for this variant (Variation ID: 3010425). Invitae Evidence Modeling of protein sequence and biophysical properties (such as structural, functional, and spatial information, amino acid conservation, physicochemical variation, residue mobility, and thermodynamic stability) indicates that this missense variant is expected to disrupt ALPK3 protein function with a positive predictive value of 80%. In summary, the available evidence is currently insufficient to determine the role of this variant in disease. Therefore, it has been classified as a Variant of Uncertain Significance.